The following is an entry in ClinVar:

NM_053025.4(MYLK):c.2349G>C (p.Lys783Asn)

Gene: MYLK (myosin light chain kinase; minus strand). Cytogenetic location: 3q21.1.
Variant type: single nucleotide variant.
Coding change: c.2349G>C on transcript NM_053025.4 (MANE Select); coding-DNA position 2349, G replaced by C.
Protein change: p.Lys783Asn; replaces lysine 783 with asparagine.
Molecular consequence: missense variant.
Genome position (GRCh38, 1-based): chr3:123,707,795, C>G on the plus strand (G>C on the coding strand, the complement: MYLK is on the minus strand). VCF-style: chr3-123707795-C-G. GRCh37 (hg19) VCF-style: chr3-123426642-C-G.
Other names: c.1821G>C, p.Lys607Asn (NM_001321309.2); c.2142G>C, p.Lys714Asn (NM_053026.4, NM_053028.4); c.2349G>C, p.Lys783Asn (NM_053027.4); short protein forms K714N, K607N, K783N.
Identifiers: ClinVar variation 4115071 (VCV004115071.2).

ClinVar aggregate classification (germline): Conflicting classifications of pathogenicity. Review status: criteria provided, conflicting classifications (1 of 4 stars). 2 submissions from 2 submitters: Uncertain significance (1); Likely benign (1). Last evaluated 2025-12-14.

Conditions:
Familial thoracic aortic aneurysm and aortic dissection (TAAD). Also called: Thoracic aortic aneurysms and dissections. Identifiers: Orphanet 91387, MedGen C4707243, MONDO:0019625.
Aortic aneurysm, familial thoracic 7 (AAT7). Also called: AORTIC DISSECTION, FAMILIAL, WITH OR WITHOUT AORTIC ANEURYSM. Identifiers: MedGen C3151077, MONDO:0013418, OMIM 613780.

gnomAD v4.1: 4 of 1,614,212 alleles (0.00025%); highest among the groups gnomAD compares: Non-Finnish European, 0.00034%; no homozygotes.

Submissions (2):

Labcorp Genetics (formerly Invitae), Labcorp
Classification: Uncertain significance for Aortic aneurysm, familial thoracic 7. Last evaluated: 2025-12-14. Review status: criteria provided, single submitter. Criteria: Invitae Variant Classification Sherloc (09022015). Collection method: clinical testing. Allele origin: germline.
Comment: This sequence change replaces lysine, which is basic and polar, with asparagine, which is neutral and polar, at codon 783 of the MYLK protein (p.Lys783Asn). This variant is present in population databases (no rsID available, gnomAD 0.0009%). This variant has not been reported in the literature in individuals affected with MYLK-related conditions. ClinVar contains an entry for this variant (Variation ID: 4115071). Invitae Evidence Modeling of protein sequence and biophysical properties (such as structural, functional, and spatial information, amino acid conservation, physicochemical variation, residue mobility, and thermodynamic stability) indicates that this missense variant is not expected to disrupt MYLK protein function with a negative predictive value of 80%. In summary, the available evidence is currently insufficient to determine the role of this variant in disease. Therefore, it has been classified as a Variant of Uncertain Significance.

Ambry Genetics
Classification: Likely benign for Familial thoracic aortic aneurysm and aortic dissection. Last evaluated: 2025-09-12. Review status: criteria provided, single submitter. Criteria: Ambry Variant Classification Scheme 2023. Collection method: clinical testing. Allele origin: germline.